The following is an entry in ClinVar:

ClinVar aggregate classification (germline): Pathogenic/Likely pathogenic. Review status: criteria provided, multiple submitters, no conflicts (2 of 4 stars). 2 submissions from 2 submitters: Pathogenic (1); Likely pathogenic (1). Last evaluated 2025-07-14.

Conditions:
Carnitine palmitoyltransferase II deficiency. Also called: Carnitine Palmitoyltransferase 2 Deficiency. Identifiers: Orphanet 157, MedGen C0342790, MONDO:0015515.

Submissions (2):

Natera, Inc.
Classification: Likely pathogenic for Carnitine palmitoyltransferase II deficiency. Last evaluated: 2025-07-14. Review status: criteria provided, single submitter. Criteria: Natera Variant Classification Schema (03/2026). Collection method: clinical testing. Allele origin: germline.
Comment: The c.834dup variant in CPT2 is a frameshift variant predicted to shift the reading frame beginning at codon 279 and leads to a stop codon 16 codons downstream. This variant is expected to result in nonsense mediated decay, truncation, or a dysfunctional protein product. This variant is rare in the general population with a frequency below the threshold expected for the associated phenotype(s). Given the available evidence, this variant is classified as Likely Pathogenic.

Labcorp Genetics (formerly Invitae), Labcorp
Classification: Pathogenic for Carnitine palmitoyltransferase II deficiency. Last evaluated: 2021-08-30. Review status: criteria provided, single submitter. Criteria: Invitae Variant Classification Sherloc (09022015). Collection method: clinical testing. Allele origin: germline.
Comment: For these reasons, this variant has been classified as Pathogenic. This variant has not been reported in the literature in individuals affected with CPT2-related conditions. This variant is not present in population databases (ExAC no frequency). This sequence change creates a premature translational stop signal (p.Asp279Argfs*16) in the CPT2 gene. It is expected to result in an absent or disrupted protein product. Loss-of-function variants in CPT2 are known to be pathogenic (PMID: 16781677, 16996287).

Literature cited by the submitters: PubMed 16781677 (cited by Labcorp Genetics (formerly Invitae), Labcorp); PubMed 16996287 (cited by Labcorp Genetics (formerly Invitae), Labcorp).

NM_000098.3(CPT2):c.834dup (p.Asp279fs)

Gene: CPT2 (carnitine palmitoyltransferase 2; plus strand). Cytogenetic location: 1p32.3.
Variant type: Duplication.
Coding change: c.834dup on transcript NM_000098.3 (MANE Select); coding-DNA position 834, one base duplicated (A; older notation c.834dupA).
Protein change: p.Asp279fs; shifts the reading frame from aspartic acid 279.
Molecular consequence: frameshift variant.
Genome position (GRCh38, 1-based): chr1:53,210,508, A duplicated. VCF-style (leftmost placement, unchanged base first): chr1-53210507-C-CA. GRCh37 (hg19) VCF-style: chr1-53676179-C-CA.
Other names: c.834dup (NM_000098.2); c.834dup, p.Asp279fs (NM_001330589.2); short protein forms D279fs.
Identifiers: ClinVar variation 1455279 (VCV001455279.7), dbSNP rs2100272823, ClinGen allele CA2573132425.